The following is an entry in ClinVar:

ClinVar aggregate classification (germline): Pathogenic (1 of 4 stars; one submission).

Submission:

GeneDx
Classification: Pathogenic. Last evaluated: 2026-04-06. Review status: criteria provided, single submitter. Criteria: GeneDx Variant Classification Process June 2021. Collection method: clinical testing. Allele origin: germline.
Comment: Nonsense variant predicted to result in protein truncation or nonsense mediated decay in a gene for which loss of function is a known mechanism of disease; Not observed at significant frequency in large population cohorts (gnomAD); Has not been previously published as pathogenic or benign to our knowledge

NM_182925.5(FLT4):c.844C>T (p.Arg282Ter)

Gene: FLT4 (fms related receptor tyrosine kinase 4; minus strand). Cytogenetic location: 5q35.3.
Variant type: single nucleotide variant.
Coding change: c.844C>T on transcript NM_182925.5 (MANE Select); coding-DNA position 844, C replaced by T.
Protein change: p.Arg282Ter; replaces arginine 282 with a stop codon.
Molecular consequence: nonsense.
Genome position (GRCh38, 1-based): chr5:180,629,400, G>A on the plus strand (C>T on the coding strand, the complement: FLT4 is on the minus strand). VCF-style: chr5-180629400-G-A. GRCh37 (hg19) VCF-style: chr5-180056400-G-A.
Other names: c.844C>T, p.Arg282Ter (NM_001354989.2, NM_002020.5); short protein forms R282*.
Identifiers: ClinVar variation 4530775 (VCV004530775.2).